The following is an entry in ClinVar:

ClinVar aggregate classification (germline): Benign (1 of 4 stars; one submission).

Conditions:
Intellectual developmental disorder, X-linked 93. Also called: MENTAL RETARDATION, X-LINKED, WITH MACROCEPHALY; Intellectual disability, X-linked 93. Identifiers: MedGen C1970841, MONDO:0010393, OMIM 300659.

Allele frequency attached by ClinVar (database versions not stated): gnomAD 0.00133 and 0.00137; 1000 Genomes Project 30x 0.00208; TOPMed 0.00136; 1000 Genomes Project 0.00238.
gnomAD v4.1: 147 of 111,301 alleles (0.13%); highest among the groups gnomAD compares: African/African-American, 0.46%; no homozygotes.

Submission:

Illumina Laboratory Services, Illumina
Classification: Benign for Intellectual developmental disorder, X-linked 93. Last evaluated: 2018-01-13. Review status: criteria provided, single submitter. Criteria: ICSL Variant Classification Criteria 13 December 2019. Collection method: clinical testing. Allele origin: germline.
Comment: This variant was observed in the ICSL laboratory as part of a predisposition screen in an ostensibly healthy population. It had not been previously curated by ICSL or reported in the Human Gene Mutation Database (HGMD: prior to June 1st, 2018), and was therefore a candidate for classification through an automated scoring system. Utilizing variant allele frequency, disease prevalence and penetrance estimates, and inheritance mode, an automated score was calculated to assess if this variant is too frequent to cause the disease. Based on the score and internal cut-off values, a variant classified as benign is not then subjected to further curation. The score for this variant resulted in a classification of benign for this disease.

NM_153252.5(BRWD3):c.*6640T>A

Gene: BRWD3 (bromodomain and WD repeat domain containing 3; minus strand). Cytogenetic location: Xq21.1.
Variant type: single nucleotide variant.
Coding change: c.*6640T>A on transcript NM_153252.5 (MANE Select); 6640 bases downstream of the stop codon, T replaced by A.
Molecular consequence: 3 prime UTR variant.
Genome position (GRCh38, 1-based): chrX:80,669,969, A>T on the plus strand (T>A on the coding strand, the complement: BRWD3 is on the minus strand). VCF-style: chrX-80669969-A-T. GRCh37 (hg19) VCF-style: chrX-79925468-A-T.
Identifiers: ClinVar variation 368681 (VCV000368681.5), dbSNP rs192201825, ClinGen allele CA10646391.